The following is an entry in ClinVar:

ClinVar aggregate classification (germline): Uncertain significance. Review status: criteria provided, multiple submitters, no conflicts (2 of 4 stars). 2 submissions from 2 submitters: Uncertain significance (2). Last evaluated 2025-06-21.

Conditions:
SYNE2-related disorder. Also called: SYNE2-related condition.

Submissions (2):

PreventionGenetics, part of Exact Sciences
Classification: Uncertain significance for SYNE2-related condition. Last evaluated: 2025-06-21. Review status: criteria provided, single submitter. Criteria: ACMG Guidelines, 2015. Collection method: clinical testing. Allele origin: germline.
Comment: The SYNE2 c.6609dupA variant is predicted to result in a frameshift and premature protein termination (p.Ser2204Ilefs*11). To our knowledge, this variant has not been reported in the literature. This variant is reported in 0.0018% of alleles in individuals of European (Non-Finnish) descent in gnomAD. At this time, the clinical significance of this variant is uncertain due to the absence of conclusive functional and genetic evidence.

CeGaT Center for Human Genetics Tuebingen
Classification: Uncertain significance. Last evaluated: 2022-04-01. Review status: criteria provided, single submitter. Criteria: CeGaT Center For Human Genetics Tuebingen Variant Classification Criteria Version 2. Collection method: clinical testing. Allele origin: germline. Affected: yes. Observed: 1 variant allele.

NM_182914.3(SYNE2):c.6609dup (p.Ser2204fs)

Gene: SYNE2 (spectrin repeat containing nuclear envelope protein 2; plus strand). Cytogenetic location: 14q23.2.
Variant type: Duplication.
Coding change: c.6609dup on transcript NM_182914.3 (MANE Select); coding-DNA position 6609, one base duplicated (A; older notation c.6609dupA).
Protein change: p.Ser2204fs; shifts the reading frame from serine 2204.
Molecular consequence: frameshift variant.
Genome position (GRCh38, 1-based): chr14:64,027,688, A duplicated; the last of 4 consecutive A bases (chr14:64,027,685-64,027,688); duplicating any one gives the same sequence. VCF-style (leftmost placement, unchanged base first): chr14-64027684-T-TA. GRCh37 (hg19) VCF-style: chr14-64494402-T-TA.
Other names: c.6609dupA (NM_182914.2); c.6609dup, p.Ser2204fs (NM_015180.6); short protein forms S2204fs.
Identifiers: ClinVar variation 2644287 (VCV002644287.25), dbSNP rs1318812290, ClinGen allele CA614734998.
Genomic context (GRCh38, chr14:64,027,684, plus strand): 5'-TAAAGATTTATAAGAAATTCCTCAAGAAAGCCCAAGATTTGACATCCTTGCTAAAGGAGT[T>TA]AAAATCTCAGGGAAACTACCTCTTGGAGTGCACTAAAAATCCCAGCTTCAGTGAAGAGCC-3'